The following is an entry in ClinVar:

NM_138817.3(SLC7A13):c.598G>A (p.Glu200Lys)

Gene: SLC7A13 (solute carrier family 7 member 13; minus strand). Cytogenetic location: 8q21.3.
Variant type: single nucleotide variant.
Coding change: c.598G>A on transcript NM_138817.3 (MANE Select); coding-DNA position 598, G replaced by A.
Protein change: p.Glu200Lys; replaces glutamic acid 200 with lysine.
Molecular consequence: missense variant.
Genome position (GRCh38, 1-based): chr8:86,229,680, C>T on the plus strand (G>A on the coding strand, the complement: SLC7A13 is on the minus strand). VCF-style: chr8-86229680-C-T. GRCh37 (hg19) VCF-style: chr8-87241909-C-T.
Other names: short protein forms E200K.
Identifiers: ClinVar variation 3957628 (VCV003957628.2).

ClinVar aggregate classification (germline): Uncertain significance. Review status: criteria provided, multiple submitters, no conflicts (2 of 4 stars). 2 submissions from 2 submitters: Uncertain significance (2). Last evaluated 2025-11-03.

gnomAD v4.1: 21 of 1,614,038 alleles (0.0013%); highest among the groups gnomAD compares: Admixed American, 0.012%; no homozygotes.

Submissions (2):

Labcorp Genetics (formerly Invitae), Labcorp
Classification: Uncertain significance. Last evaluated: 2025-11-03. Review status: criteria provided, single submitter. Criteria: Invitae Variant Classification Sherloc (09022015). Collection method: clinical testing. Allele origin: germline.
Comment: This sequence change replaces glutamic acid, which is acidic and polar, with lysine, which is basic and polar, at codon 200 of the SLC7A13 protein (p.Glu200Lys). The frequency data for this variant in the population databases is considered unreliable, as metrics indicate poor data quality at this position in the gnomAD database. This variant has not been reported in the literature in individuals affected with SLC7A13-related conditions. ClinVar contains an entry for this variant (Variation ID: 3957628). An algorithm developed to predict the effect of missense changes on protein structure and function (PolyPhen-2) suggests that this variant is likely to be disruptive. In summary, the available evidence is currently insufficient to determine the role of this variant in disease. Therefore, it has been classified as a Variant of Uncertain Significance.

Ambry Genetics
Classification: Uncertain significance. Last evaluated: 2025-03-15. Review status: criteria provided, single submitter. Criteria: Ambry Variant Classification Scheme 2023. Collection method: clinical testing. Allele origin: germline.